The following is an entry in ClinVar:

ClinVar aggregate classification (germline): Uncertain significance (1 of 4 stars; one submission).

Submission:

Labcorp Genetics (formerly Invitae), Labcorp
Classification: Uncertain significance. Last evaluated: 2021-07-28. Review status: criteria provided, single submitter. Criteria: Invitae Variant Classification Sherloc (09022015). Collection method: clinical testing. Allele origin: germline.
Comment: In summary, the available evidence is currently insufficient to determine the role of this variant in disease. Therefore, it has been classified as a Variant of Uncertain Significance. Algorithms developed to predict the effect of sequence changes on RNA splicing suggest that this variant may create or strengthen a splice site. Algorithms developed to predict the effect of missense changes on protein structure and function (SIFT, PolyPhen-2, Align-GVGD) all suggest that this variant is likely to be tolerated. This variant has not been reported in the literature in individuals affected with ATR-related conditions. This variant is not present in population databases (ExAC no frequency). This sequence change replaces isoleucine with valine at codon 1364 of the ATR protein (p.Ile1364Val). The isoleucine residue is highly conserved and there is a small physicochemical difference between isoleucine and valine.

NM_001184.4(ATR):c.4090A>G (p.Ile1364Val)

Gene: ATR (ATR checkpoint kinase; minus strand). Cytogenetic location: 3q23.
Variant type: single nucleotide variant.
Coding change: c.4090A>G on transcript NM_001184.4 (MANE Select); coding-DNA position 4090, A replaced by G.
Protein change: p.Ile1364Val; replaces isoleucine 1364 with valine.
Molecular consequence: missense variant.
Genome position (GRCh38, 1-based): chr3:142,524,055, T>C on the plus strand (A>G on the coding strand, the complement: ATR is on the minus strand). VCF-style: chr3-142524055-T-C. GRCh37 (hg19) VCF-style: chr3-142242897-T-C.
Other names: c.3898A>G, p.Ile1300Val (NM_001354579.2); short protein forms I1300V, I1364V.
Identifiers: ClinVar variation 1475992 (VCV001475992.6), dbSNP rs2108399352, ClinGen allele CA354802345.
Genomic context (GRCh38, chr3:142,524,055, plus strand): 5'-CAAATGTAAAATCTTTTCCTTGAGTTTCAGTTGTTGAGAAATCTAATCGACCTGGATCTA[T>C]CGCCCCCAATTCCCCTAAACATTCCCCACAGAGCAACCGAGCTTGAGAGTTTGCATCTTG-3'
Protein context (NP_001175.2, residues 1354-1374): CGECLGELGA[Ile1364Val]DPGRLDFSTT